The following is an entry in ClinVar:

ClinVar aggregate classification (germline): Uncertain significance (1 of 4 stars; one submission).

Conditions:
Fanconi anemia (FA). Also called: Fanconi's anemia. Identifiers: Orphanet 84, MedGen C0015625, MeSH D005199, MONDO:0019391.

gnomAD v4.1: 1 of 1,186,882 alleles (0.000084%); highest among the groups gnomAD compares: Non-Finnish European, 0.00011%; no homozygotes.

Submission:

Labcorp Genetics (formerly Invitae), Labcorp
Classification: Uncertain significance for Fanconi anemia. Last evaluated: 2025-02-20. Review status: criteria provided, single submitter. Criteria: Invitae Variant Classification Sherloc (09022015). Collection method: clinical testing. Allele origin: germline.
Comment: This sequence change replaces asparagine, which is neutral and polar, with serine, which is neutral and polar, at codon 116 of the FANCB protein (p.Asn116Ser). This variant is not present in population databases (gnomAD no frequency). This variant has not been reported in the literature in individuals affected with FANCB-related conditions. Invitae Evidence Modeling of protein sequence and biophysical properties (such as structural, functional, and spatial information, amino acid conservation, physicochemical variation, residue mobility, and thermodynamic stability) indicates that this missense variant is not expected to disrupt FANCB protein function with a negative predictive value of 80%. In summary, the available evidence is currently insufficient to determine the role of this variant in disease. Therefore, it has been classified as a Variant of Uncertain Significance.

NM_001018113.3(FANCB):c.347A>G (p.Asn116Ser)

Gene: FANCB (FA complementation group B; minus strand). Cytogenetic location: Xp22.2.
Variant type: single nucleotide variant.
Coding change: c.347A>G on transcript NM_001018113.3 (MANE Select); coding-DNA position 347, A replaced by G.
Protein change: p.Asn116Ser; replaces asparagine 116 with serine.
Molecular consequence: missense variant.
Genome position (GRCh38, 1-based): chrX:14,865,164, T>C on the plus strand (A>G on the coding strand, the complement: FANCB is on the minus strand). VCF-style: chrX-14865164-T-C. GRCh37 (hg19) VCF-style: chrX-14883286-T-C.
Other names: c.347A>G, p.Asn116Ser (NM_001324162.2, NM_001410764.1, NM_152633.4); short protein forms N116S.
Identifiers: ClinVar variation 4690435 (VCV004690435.1).
Genomic context (GRCh38, chrX:14,865,164, plus strand): 5'-ACCCTTAGGCCATCCTTCATCTCATAGCCTAGTTTAAAACTCAAACGCATTTCAAATTTA[T>C]TAGTACTGTGAAGGATTAGTAAAAAATATTCAAAAACATTATTCTTTTTATTTTTTTCTA-3'
Protein context (NP_001018123.1, residues 106-126): EYFLLILHST[Asn116Ser]KFEMRLSFKL